The following is an entry in ClinVar:

ClinVar aggregate classification (germline): Benign (0 of 4 stars; one submission).

Conditions:
KDM3B-related disorder. Also called: KDM3B-related condition.

Allele frequency attached by ClinVar (database versions not stated): 1000 Genomes Project 30x 0.02108; 1000 Genomes Project 0.02157; TOPMed 0.04621; gnomAD 0.05121; ExAC 0.05305; ESP Exome Variant Server 0.05490; gnomAD exomes 0.06751.
gnomAD v4.1: 106,187 of 1,613,604 alleles (6.6%); highest among the groups gnomAD compares: Non-Finnish European, 7.5%; 3,912 homozygotes.

Submission:

PreventionGenetics, part of Exact Sciences
Classification: Benign for KDM3B-related condition. Last evaluated: 2020-02-14. Review status: no assertion criteria provided. Collection method: clinical testing. Allele origin: germline.
Comment: This variant is classified as benign based on ACMG/AMP sequence variant interpretation guidelines (Richards et al. 2015 PMID: 25741868, with internal and published modifications).

NM_016604.4(KDM3B):c.4893+9C>T

Gene: KDM3B (lysine demethylase 3B; plus strand). Cytogenetic location: 5q31.2.
Variant type: single nucleotide variant.
Coding change: c.4893+9C>T on transcript NM_016604.4 (MANE Select); 9 bases into the intron after coding-DNA position 4893, C replaced by T.
Molecular consequence: intron variant.
Genome position (GRCh38, 1-based): chr5:138,429,974, C>T. VCF-style: chr5-138429974-C-T. GRCh37 (hg19) VCF-style: chr5-137765663-C-T.
Identifiers: ClinVar variation 3056364 (VCV003056364.2), dbSNP rs77413831, ClinGen allele CA3429544.